The following is an entry in ClinVar:

NM_000194.2(HPRT1):c.170T>C (p.Met57Thr)

Gene: HPRT1 (hypoxanthine phosphoribosyltransferase 1; plus strand). Cytogenetic location: Xq26.2.
Variant type: single nucleotide variant.
Coding change: c.170T>C on transcript NM_000194.2; coding-DNA position 170, T replaced by C.
Protein change: p.Met57Thr; replaces methionine 57 with threonine.
Molecular consequence: missense variant (on NM_000194.3).
Genome position (GRCh38, 1-based): chrX:134,475,216, T>C. VCF-style: chrX-134475216-T-C. GRCh37 (hg19) VCF-style: chrX-133609246-T-C.
Other names: M56T; c.170T>C, p.Met57Thr (NM_000194.3); short protein forms M57T.
Identifiers: ClinVar variation 10061 (VCV000010061.3), dbSNP rs137852495, ClinGen allele CA120904.
Genomic context (GRCh38, chrX:134,475,216, plus strand): 5'-TAAATTCCTGATTTTATTTCTGTAGGACTGAACGTCTTGCTCGAGATGTGATGAAGGAGA[T>C]GGGAGGCCATCACATTGTAGCCCTCTGTGTGCTCAAGGGGGGCTATAAATTCTTTGCTGA-3'
Protein context (NP_000185.1, residues 47-67): ERLARDVMKE[Met57Thr]GGHHIVALCV

ClinVar aggregate classification (germline): Pathogenic; other. Review status: no assertion criteria provided (0 of 4 stars). 2 submissions from 1 submitter: Pathogenic (1). Last evaluated 2011-05-12.

Conditions:
Lesch-nyhan syndrome, neurologic variant. Identifiers: MedGen C1845892.
HPRT MONTREAL.
HPRT1-related disorder. Also called: HPRT1-related condition; HPRT1-related disorders.

Submissions (2):

OMIM
Classification: other for HPRT MONTREAL. Last evaluated: 2011-05-12. Review status: no assertion criteria provided. Collection method: literature only. Allele origin: germline.

OMIM
Classification: Pathogenic for LESCH-NYHAN SYNDROME, NEUROLOGIC VARIANT. Last evaluated: 1990-06-01. Review status: no assertion criteria provided. Collection method: literature only. Allele origin: germline.

Literature cited by the submitters: PubMed 2358296 (cited by OMIM).